The following is an entry in ClinVar:

NM_000535.7(PMS2):c.1771T>C (p.Cys591Arg)

Gene: PMS2 (PMS1 homolog 2, mismatch repair system component; minus strand). Cytogenetic location: 7p22.1.
Variant type: single nucleotide variant.
Coding change: c.1771T>C on transcript NM_000535.7 (MANE Select); coding-DNA position 1771, T replaced by C.
Protein change: p.Cys591Arg; replaces cysteine 591 with arginine.
Molecular consequence: missense variant. On other transcripts: non-coding transcript variant (1).
Genome position (GRCh38, 1-based): chr7:5,986,994, A>G on the plus strand (T>C on the coding strand, the complement: PMS2 is on the minus strand). VCF-style: chr7-5986994-A-G. GRCh37 (hg19) VCF-style: chr7-6026625-A-G.
Other names: c.1366T>C, p.Cys456Arg (NM_001322003.2, NM_001322004.2, NM_001322005.2 and 1 more transcripts); c.1615T>C, p.Cys539Arg (NM_001322006.2); c.1453T>C, p.Cys485Arg (NM_001322007.2, NM_001322008.2); c.1210T>C, p.Cys404Arg (NM_001322010.2); c.838T>C, p.Cys280Arg (NM_001322011.2, NM_001322012.2); c.1198T>C, p.Cys400Arg (NM_001322013.2); c.1771T>C, p.Cys591Arg (NM_001322014.2); c.1462T>C, p.Cys488Arg (NM_001322015.2); short protein forms C591R, C485R, C539R, C400R, C488R, C280R, C404R, C456R.
Identifiers: ClinVar variation 571880 (VCV000571880.17), dbSNP rs764252217, ClinGen allele CA045524.

ClinVar aggregate classification (germline): Conflicting classifications of pathogenicity. Review status: criteria provided, conflicting classifications (1 of 4 stars). 9 submissions from 9 submitters: Uncertain significance (5); Likely benign (3). 1 of the submissions does not count toward it. Last evaluated 2026-08-21.

Conditions:
Hereditary nonpolyposis colorectal neoplasms. Identifiers: MedGen C0009405, MeSH D003123.
Lynch syndrome. Identifiers: Orphanet 144, MedGen C4552100, MONDO:0005835. Disease mechanism: loss of function.
Hereditary cancer-predisposing syndrome. Also called: Neoplastic Syndromes, Hereditary; Tumor predisposition; Hereditary Cancer Syndrome; Hereditary neoplastic syndrome. Identifiers: Orphanet 140162, MedGen C0027672, MeSH D009386, MONDO:0015356.
PMS2-related disorder. Also called: PMS2-related condition.

Allele frequency attached by ClinVar (database versions not stated): gnomAD below 0.00001; TOPMed below 0.00001; ExAC 0.00007.

Submissions (9):

PreventionGenetics, part of Exact Sciences
Classification: Uncertain significance for PMS2-related condition. Last evaluated: 2026-08-21. Review status: criteria provided, single submitter. Criteria: ACMG Guidelines, 2015. Collection method: clinical testing. Allele origin: germline.
Comment: The PMS2 c.1771T>C variant is predicted to result in the amino acid substitution p.Cys591Arg. To our knowledge, this variant has not been reported in the literature. This variant is reported in 0.010% of alleles in individuals of Ashkenazi Jewish descent in gnomAD and has conflicting interpretations regarding its pathogenicity in ClinVar, ranging from likely benign to uncertain (Variation ID:571880). Although we suspect that this variant may be benign, at this time, the clinical significance of this variant is uncertain due to the absence of conclusive functional and genetic evidence.

Institute for Biomarker Research, Medical Diagnostic Laboratories, L.L.C.
Classification: Uncertain significance for Hereditary cancer-predisposing syndrome. Last evaluated: 2025-02-06. Review status: criteria provided, single submitter. Criteria: ACMG Guidelines, 2015. Collection method: clinical testing. Allele origin: germline.
Comment: The missense variant NM_001322014.2(PMS2):c.1771T>C (p.Cys591Arg) has not been reported previously as a pathogenic variant, to our knowledge. Although the variant is present at 0.0004% in gnomAD, it has the flag "RF" and may not represent the true population frequency.There is a large physicochemical difference between cysteine and arginine, which is likely to impact secondary protein structure as these residues differ in polarity, charge, size and/or other properties. The p.Cys591Arg missense variant is predicted to be tolerated by both SIFT or PolyPhen2. The nucleotide c.1771 in PMS2 is not conserved according to a GERP++ and PhyloP analysis of 100 vertebrates. For these reasons, this variant has been classified as Uncertain Significance

Blueprint Genetics
Classification: Likely benign. Last evaluated: 2024-11-18. Review status: criteria provided, single submitter. Criteria: ACMG Guidelines, 2015. Collection method: clinical testing. Allele origin: germline.

Color Diagnostics, LLC DBA Color Health
Classification: Likely benign for Hereditary cancer-predisposing syndrome. Last evaluated: 2024-10-17. Review status: criteria provided, single submitter. Criteria: ACMG Guidelines, 2015. Collection method: clinical testing. Allele origin: germline.

Sema4
Classification: Uncertain significance for Hereditary cancer-predisposing syndrome. Last evaluated: 2022-03-15. Review status: criteria provided, single submitter. Criteria: Sema4 Curation Guidelines. Collection method: curation. Allele origin: germline.
Comment: The PMS2 c.1771T>C (p.C591R) variant has not been reported in the literature to our knowledge. It has been reported in a large case-control study of breast cancer in 1/60466 cases and 0/53461 controls (PMID: 33471991). It was observed in 1/10014 chromosomes of the Ashkenazi Jewish (ASJ) subpopulation in the large and broad cohorts of the Genome Aggregation Database (PMID: 32461654). This variant has been reported in ClinVar (Variation ID 571880). In silico tools suggest the impact of the variant on protein function is benign, though these predictions have not been confirmed by functional studies. The evidence is insufficient to meet ACMG/AMP criteria for classifying the variant as benign or pathogenic. Thus, the clinical significance of this variant is currently uncertain.

Labcorp Genetics (formerly Invitae), Labcorp
Classification: Uncertain significance for Hereditary nonpolyposis colorectal neoplasms. Last evaluated: 2020-06-09. Review status: criteria provided, single submitter. Criteria: Invitae Variant Classification Sherloc (09022015). Collection method: clinical testing. Allele origin: germline.
Comment: This sequence change replaces cysteine with arginine at codon 591 of the PMS2 protein (p.Cys591Arg). The cysteine residue is weakly conserved and there is a large physicochemical difference between cysteine and arginine. The frequency data for this variant in the population databases is considered unreliable, as metrics indicate poor data quality at this position in the ExAC database. This variant has not been reported in the literature in individuals with PMS2-related disease.¬†ClinVar contains an entry for this variant (Variation ID:¬†571880). Algorithms developed to predict the effect of missense changes on protein structure and function output the following: SIFT: "Tolerated"; PolyPhen-2: "Benign"; Align-GVGD: "Class C0". The arginine amino acid residue is found in multiple mammalian species, suggesting that this missense change does not adversely affect protein function. These predictions have not been confirmed by published functional studies and their clinical significance is uncertain. In summary, the available evidence is currently insufficient to determine the role of this variant in disease. Therefore, it has been classified as a Variant of Uncertain Significance.

Ambry Genetics
Classification: Likely benign for Hereditary cancer-predisposing syndrome. Last evaluated: 2020-06-03. Review status: criteria provided, single submitter. Criteria: Ambry Variant Classification Scheme 2023. Collection method: clinical testing. Allele origin: germline.

Genetic Services Laboratory, University of Chicago
Classification: Uncertain significance. Last evaluated: 2019-04-02. Review status: criteria provided, single submitter. Criteria: ACMG Guidelines, 2015. Collection method: clinical testing. Allele origin: germline. Affected: no.

Department of Pathology and Laboratory Medicine, Sinai Health System
Classification: Uncertain significance for Lynch syndrome. Review status: no assertion criteria provided. Collection method: clinical testing. Allele origin: unknown. Affected: yes. Study: The Canadian Open Genetics Repository (COGR). Not counted in ClinVar's aggregate classification.
Comment: The PMS2 p.Cys591Arg variant was not identified in the literature. The variant was identified in dbSNP (ID: rs764252217), ClinVar (classified as uncertain significance by Invitae), and LOVD 3.0. The variant was identified in control databases in 1 of 246170 chromosomes at a frequency of 0.000004 (Genome Aggregation Database Feb 27, 2017). The variant was observed in the Ashkenazi Jewish population in 1 of 9788 chromosomes (freq: 0.0001), while the variant was not observed in the African, Other, Latino, European, East Asian, Finnish, or South Asian populations. The p.Cys591 residue is not conserved in mammals and four out of five computational analyses (PolyPhen-2, SIFT, AlignGVGD, BLOSUM, MutationTaster) do not suggest a high likelihood of impact to the protein; however, this information is not predictive enough to rule out pathogenicity. The variant occurs outside of the splicing consensus sequence and in silico or computational prediction software programs (SpliceSiteFinder, MaxEntScan, NNSPLICE, GeneSplicer) do not predict a difference in splicing. In summary, based on the above information, the clinical significance of this variant cannot be determined with certainty at this time. This variant is classified as a variant of uncertain significance.

Literature cited by the submitters: PubMed 33471991 (cited by Sema4).